The following is an entry in ClinVar:

NM_000283.4(PDE6B):c.633G>T (p.Lys211Asn)

Gene: PDE6B (phosphodiesterase 6B; plus strand). Cytogenetic location: 4p16.3.
Variant type: single nucleotide variant.
Coding change: c.633G>T on transcript NM_000283.4 (MANE Select); coding-DNA position 633, G replaced by T.
Protein change: p.Lys211Asn; replaces lysine 211 with asparagine.
Molecular consequence: missense variant.
Genome position (GRCh38, 1-based): chr4:635,891, G>T. VCF-style: chr4-635891-G-T. GRCh37 (hg19) VCF-style: chr4-629680-G-T.
Other names: c.633G>T, p.Lys211Asn (NM_001145291.2, NM_001440547.1, NM_001440548.1); short protein forms K211N.
Identifiers: ClinVar variation 4989594 (VCV004989594.1).

ClinVar aggregate classification (germline): Uncertain significance (1 of 4 stars; one submission).

Conditions:
PDE6B-related disorder. Also called: PDE6B-related disorders; PDE6B-related disease; PDE6B-related condition.

gnomAD v4.1: 2 of 1,559,292 alleles (0.00013%); highest among the groups gnomAD compares: African/African-American, 0.0027%; no homozygotes.

Submission:

PreventionGenetics, part of Exact Sciences
Classification: Uncertain significance for PDE6B-related condition. Last evaluated: 2026-07-14. Review status: criteria provided, single submitter. Criteria: ACMG Guidelines, 2015. Collection method: clinical testing. Allele origin: germline.
Comment: The PDE6B c.633G>T variant is predicted to result in the amino acid substitution p.Lys211Asn. To our knowledge, this variant has not been reported in the literature or in a large population database (gnomAD), indicating this variant is rare. At this time, the clinical significance of this variant is uncertain due to the absence of conclusive functional and genetic evidence.